The following is an entry in ClinVar:

ClinVar aggregate classification (germline): Likely benign. Review status: criteria provided, multiple submitters, no conflicts (2 of 4 stars). 10 submissions from 10 submitters: Likely benign (10). Last evaluated 2026-01-25.

Conditions:
PKP2-related disorder. Also called: PKP2-related condition.
Cardiovascular phenotype. Identifiers: MedGen CN230736.
Arrhythmogenic right ventricular cardiomyopathy (ARVD). Also called: Arrhythmogenic right ventricular dysplasia; Cardiomyopathy, ARVC; Arrhythmogenic cardiomyopathy; Arrhythmogenic Right Ventricular Cardiomyopathy (ARVC). Identifiers: Orphanet 247, MedGen C0349788, MeSH D019571, MONDO:0016587. Disease mechanism: loss of function. Inheritance: Various modes of inheritance.
Cardiomyopathy (CMYO). Also called: Cardiomyopathies. Identifiers: Orphanet 167848, MedGen C0878544, MONDO:0004994, HP:0001638. Inheritance: Various modes of inheritance.
Arrhythmogenic right ventricular dysplasia 9 (ARVD9). Also called: Arrhythmogenic Right Ventricular Dysplasia/Cardiomyopathy 9; ARRHYTHMOGENIC RIGHT VENTRICULAR DYSPLASIA, FAMILIAL, 9. Identifiers: MedGen C1836906, MONDO:0012180, OMIM 609040.

Allele frequency attached by ClinVar (database versions not stated): ExAC below 0.00001; gnomAD 0.00003 and 0.00004; TOPMed 0.00008.
gnomAD v4.1: 59 of 1,461,616 alleles (0.004%); highest among the groups gnomAD compares: Admixed American, 0.016%; no homozygotes.

Submissions (10):

Labcorp Genetics (formerly Invitae), Labcorp
Classification: Likely benign for Arrhythmogenic right ventricular dysplasia 9. Last evaluated: 2026-01-25. Review status: criteria provided, single submitter. Criteria: Invitae Variant Classification Sherloc (09022015). Collection method: clinical testing. Allele origin: germline.

PreventionGenetics, part of Exact Sciences
Classification: Likely benign for PKP2-related condition. Last evaluated: 2026-01-12. Review status: criteria provided, single submitter. Criteria: ACMG Guidelines, 2015. Collection method: clinical testing. Allele origin: germline.
Comment: This variant is classified as likely benign based on ACMG/AMP sequence variant interpretation guidelines (Richards et al. 2015 PMID: 25741868, with internal and published modifications).

CeGaT Center for Human Genetics Tuebingen
Classification: Likely benign. Last evaluated: 2025-11-01. Review status: criteria provided, single submitter. Criteria: CeGaT Center For Human Genetics Tuebingen Variant Classification Criteria Version 2. Collection method: clinical testing. Allele origin: germline. Affected: yes. Observed: 3 variant alleles.
Comment: PKP2: BP4, BP7

ARUP Laboratories, Molecular Genetics and Genomics, ARUP Laboratories
Classification: Likely benign for Arrhythmogenic right ventricular dysplasia 9. Last evaluated: 2024-10-11. Review status: criteria provided, single submitter. Criteria: ARUP Molecular Germline Variant Investigation Process 2024. Collection method: clinical testing. Allele origin: germline.

All of Us Research Program, National Institutes of Health
Classification: Likely benign for Arrhythmogenic right ventricular cardiomyopathy. Last evaluated: 2023-12-13. Review status: criteria provided, single submitter. Criteria: ACMG Guidelines, 2015. Collection method: clinical testing. Allele origin: germline. Inheritance: Autosomal dominant inheritance. Observed: 12 variant alleles, 12 heterozygotes.
Comment: This study involves interpretation of variants in research participants for the purpose of population health screening. Participant phenotype was not available at the time of variant classification. Additional details can be found in publication PMID: 35346344, PMCID: PMC8962531

Blueprint Genetics
Classification: Likely benign. Last evaluated: 2023-02-24. Review status: criteria provided, single submitter. Criteria: ACMG Guidelines, 2015. Collection method: clinical testing. Allele origin: germline.

Color Diagnostics, LLC DBA Color Health
Classification: Likely benign for Cardiomyopathy. Last evaluated: 2018-12-16. Review status: criteria provided, single submitter. Criteria: ACMG Guidelines, 2015. Collection method: clinical testing. Allele origin: germline.

Ambry Genetics
Classification: Likely benign for Cardiovascular phenotype. Last evaluated: 2018-12-06. Review status: criteria provided, single submitter. Criteria: Ambry Variant Classification Scheme 2023. Collection method: clinical testing. Allele origin: germline.

GeneDx
Classification: Likely benign. Last evaluated: 2018-02-01. Review status: criteria provided, single submitter. Criteria: GeneDx Variant Classification (06012015). Collection method: clinical testing. Allele origin: germline. Affected: yes.
Comment: This variant is considered likely benign or benign based on one or more of the following criteria: it is a conservative change, it occurs at a poorly conserved position in the protein, it is predicted to be benign by multiple in silico algorithms, and/or has population frequency not consistent with disease.

Laboratory for Molecular Medicine, Mass General Brigham Personalized Medicine
Classification: Likely benign. Last evaluated: 2009-07-21. Review status: criteria provided, single submitter. Criteria: LMM Criteria. Collection method: clinical testing. Allele origin: germline. Observed: 1 variant allele.

NM_001005242.3(PKP2):c.12C>T (p.Pro4=)

Gene: PKP2 (plakophilin 2; minus strand). Cytogenetic location: 12p11.21.
Variant type: single nucleotide variant.
Coding change: c.12C>T on transcript NM_001005242.3 (MANE Select); coding-DNA position 12, C replaced by T.
Protein change: p.Pro4=; no amino-acid change (proline 4 retained).
Molecular consequence: synonymous variant.
Genome position (GRCh38, 1-based): chr12:32,896,720, G>A on the plus strand (C>T on the coding strand, the complement: PKP2 is on the minus strand). VCF-style: chr12-32896720-G-A. GRCh37 (hg19) VCF-style: chr12-33049654-G-A.
Other names: c.12C>T, p.Pro4= (NM_004572.4).
Identifiers: ClinVar variation 45018 (VCV000045018.51), dbSNP rs397516991, ClinGen allele CA010954.
Genomic context (GRCh38, chr12:32,896,720, plus strand): 5'-TTGTCCCAGGATCTGCTGGCCCAGGACGGTCCGGATGTAGCCGTACTCAGCTGGGGCGCC[G>A]GGGGCTGCCATGGGGCCGGTGGGGGCGACCGAGCTGCTCGCCTGCCTCTGGACTCGCGGG-3'
Protein context (NP_001005242.2, residues 1-14): MAA[Pro4=]GAPAEYGYIR